The following is an entry in ClinVar:

NM_130466.4(UBE3B):c.1956+1G>A

Gene: UBE3B (ubiquitin protein ligase E3B; plus strand). Cytogenetic location: 12q24.11.
Variant type: single nucleotide variant.
Coding change: c.1956+1G>A on transcript NM_130466.4 (MANE Select); the canonical splice donor site of the intron after coding-DNA position 1956, G replaced by A.
Molecular consequence: splice donor variant.
Genome position (GRCh38, 1-based): chr12:109,511,304, G>A. VCF-style: chr12-109511304-G-A. GRCh37 (hg19) VCF-style: chr12-109949109-G-A.
Other names: c.1956+1G>A (NM_183415.3).
Identifiers: ClinVar variation 521558 (VCV000521558.10), dbSNP rs1304422857, ClinGen allele CA386639279.
Genomic context (GRCh38, chr12:109,511,304, plus strand): 5'-GACAGAAAACGGGCACAGTTGATCCTGCAGTACATCCCACATGTCATCCCTCACAAAAAC[G>A]TGAGTTGCACTCAGAGCTGGGCCCCGATGTGTCTTTCTATTCCCCCACGTGGTTCCTGCC-3'

ClinVar aggregate classification (germline): Pathogenic/Likely pathogenic. Review status: criteria provided, multiple submitters, no conflicts (2 of 4 stars). 4 submissions from 4 submitters: Pathogenic (3); Likely pathogenic (1). Last evaluated 2025-09-24.

Conditions:
Inborn genetic diseases. Identifiers: MedGen C0950123, MeSH D030342.
Oculocerebrofacial syndrome, Kaufman type. Also called: Blepharophimosis-ptosis-intellectual disability syndrome. Identifiers: Orphanet 2707, MedGen C1855663, MONDO:0009485, OMIM 244450.

Allele frequency attached by ClinVar (database versions not stated): TOPMed 0.00001.
gnomAD v4.1: 3 of 1,613,842 alleles (0.00019%); highest among the groups gnomAD compares: South Asian, 0.0011%; no homozygotes.

Submissions (4):

Genesolutions, Medical Genetics Institutes, Ho Chi Minh City, Vietnam
Classification: Pathogenic for Oculocerebrofacial syndrome, Kaufman type. Last evaluated: 2025-09-24. Review status: criteria provided, single submitter. Criteria: ACMG Guidelines, 2015. Collection method: clinical testing. Allele origin: germline. Affected: yes.

3billion
Classification: Pathogenic for Oculocerebrofacial syndrome, Kaufman type. Last evaluated: 2022-09-01. Review status: criteria provided, single submitter. Criteria: ACMG Guidelines, 2015. Collection method: clinical testing. Allele origin: germline. Affected: yes. Observed: 1 homozygote.
Comment: The variant is not observed in the gnomAD v2.1.1 dataset. Canonical splice site is predicted to alter splicing and result in a loss or disruption of normal protein function. Multiple pathogenic loss-of-function variants are reported downstream of the variant. The variant has been reported to be associated with UBE3B -related disorder (ClinVar ID: VCV000521558). Therefore, this variant is classified as Pathogenic according to the recommendation of ACMG/AMP guideline.

Labcorp Genetics (formerly Invitae), Labcorp
Classification: Likely pathogenic. Last evaluated: 2022-03-14. Review status: criteria provided, single submitter. Criteria: Invitae Variant Classification Sherloc (09022015). Collection method: clinical testing. Allele origin: germline.
Comment: In summary, the currently available evidence indicates that the variant is pathogenic, but additional data are needed to prove that conclusively. Therefore, this variant has been classified as Likely Pathogenic. Algorithms developed to predict the effect of sequence changes on RNA splicing suggest that this variant may disrupt the consensus splice site. ClinVar contains an entry for this variant (Variation ID: 521558). This variant has not been reported in the literature in individuals affected with UBE3B-related conditions. This variant is not present in population databases (gnomAD no frequency). This sequence change affects a donor splice site in intron 18 of the UBE3B gene. It is expected to disrupt RNA splicing. Variants that disrupt the donor or acceptor splice site typically lead to a loss of protein function (PMID: 16199547), and loss-of-function variants in UBE3B are known to be pathogenic (PMID: 23687348, 24615390).

Ambry Genetics
Classification: Pathogenic for Inborn genetic diseases. Last evaluated: 2021-08-13. Review status: criteria provided, single submitter. Criteria: Ambry Variant Classification Scheme 2023. Collection method: clinical testing. Allele origin: germline.
Comment: The c.1956+1G>A intronic variant results from a G to A substitution one nucleotide after coding exon 16 of the UBE3B gene. Alterations that disrupt the canonical splice site are expected to cause aberrant splicing, resulting in an abnormal protein or a transcript that is subject to nonsense-mediated mRNA decay. This variant was not reported in population-based cohorts in the Genome Aggregation Database (gnomAD). This nucleotide position is highly conserved in available vertebrate species. In silico splice site analysis predicts that this alteration will weaken the native splice donor site. Based on the available evidence, this alteration is classified as pathogenic.

Literature cited by the submitters: PubMed 16199547 (cited by Labcorp Genetics (formerly Invitae), Labcorp); PubMed 23687348 (cited by Labcorp Genetics (formerly Invitae), Labcorp); PubMed 24615390 (cited by Labcorp Genetics (formerly Invitae), Labcorp).